The following is an entry in ClinVar:

NC_000006.12:g.84667701T>C

Gene: TBX18 (T-box transcription factor 18; minus strand). Cytogenetic location: 6q14.3.
Variant type: single nucleotide variant.
Genome position: GRCh38 VCF-style: chr6-84667701-T-C. GRCh37 (hg19) VCF-style: chr6-85377419-T-C.
Identifiers: ClinVar variation 2656731 (VCV002656731.24), dbSNP rs117358764, ClinGen allele CA142735395.

ClinVar aggregate classification (germline): Likely benign (1 of 4 stars; one submission).

Allele frequency attached by ClinVar (database versions not stated): 1000 Genomes Project 0.00180; 1000 Genomes Project 30x 0.00187; TOPMed 0.00608; gnomAD 0.00666.

Submission:

CeGaT Center for Human Genetics Tuebingen
Classification: Likely benign. Last evaluated: 2023-04-01. Review status: criteria provided, single submitter. Criteria: CeGaT Center For Human Genetics Tuebingen Variant Classification Criteria Version 2. Collection method: clinical testing. Allele origin: germline. Affected: yes. Observed: 2 variant alleles.
Comment: TBX18: BS1